The following is an entry in ClinVar:

NC_000008.10:g.(?_100115161)_(100123527_?)del

Gene: VPS13B (vacuolar protein sorting 13 homolog B; plus strand). Cytogenetic location: 8q22.2.
Variant type: Deletion.
Identifiers: ClinVar variation 3245462 (VCV003245462.1).

ClinVar aggregate classification (germline): Pathogenic (1 of 4 stars; one submission).

Conditions:
Cohen syndrome (COH1). Also called: Cutis verticis gyrata, retinitis pigmentosa, and sensorineural deafness; PEPPER SYNDROME. Identifiers: Orphanet 193, MedGen C0265223, MONDO:0008999, OMIM 216550.

Submission:

Labcorp Genetics (formerly Invitae), Labcorp
Classification: Pathogenic for Cohen syndrome. Last evaluated: 2022-10-26. Review status: criteria provided, single submitter. Criteria: Invitae Variant Classification Sherloc (09022015). Collection method: clinical testing. Allele origin: unknown.
Comment: For these reasons, this variant has been classified as Pathogenic. This variant has not been reported in the literature in individuals affected with VPS13B-related conditions. This variant is a gross deletion of the genomic region encompassing exon(s) 5-6 of the VPS13B gene. This deletion is out-of-frame, and is expected to create a premature termination codon and result in an absent or disrupted protein product. Loss-of-function variants in VPS13B are known to be pathogenic (PMID: 15141358, 16648375, 20461111).

Literature cited by the submitters: PubMed 15141358; PubMed 16648375; PubMed 20461111.